The following is an entry in ClinVar:

ClinVar aggregate classification (germline): Uncertain significance (1 of 4 stars; one submission).

Conditions:
Cardiomyopathy (CMYO). Also called: Cardiomyopathies. Identifiers: Orphanet 167848, MedGen C0878544, MONDO:0004994, HP:0001638. Inheritance: Various modes of inheritance.

Allele frequency attached by ClinVar (database versions not stated): gnomAD exomes 0.00001.
gnomAD v4.1: 13 of 1,612,898 alleles (0.00081%); highest among the groups gnomAD compares: South Asian, 0.0011%; no homozygotes.

Submission:

Color Diagnostics, LLC DBA Color Health
Classification: Uncertain significance for Cardiomyopathy. Last evaluated: 2025-07-10. Review status: criteria provided, single submitter. Criteria: ACMG Guidelines, 2015. Collection method: clinical testing. Allele origin: germline.
Comment: This missense variant replaces glutamic acid with lysine at codon 4320 of the RYR2 protein. Computational prediction suggests that this variant may have deleterious impact on protein structure and function. To our knowledge, functional studies have not been reported for this variant. This variant has not been reported in individuals affected with RYR2-related disorders in the literature. This variant has been identified in 2/248562 chromosomes in the general population by the Genome Aggregation Database (gnomAD). The available evidence is insufficient to determine the role of this variant in disease conclusively. Therefore, this variant is classified as a Variant of Uncertain Significance.

NM_001035.3(RYR2):c.12958G>A (p.Glu4320Lys)

Genes: RYR2 (ryanodine receptor 2; plus strand), LOC126806068 (BRD4-independent group 4 enhancer GRCh37_chr1:237947411-237948610; plus strand). Cytogenetic location: 1q43.
Variant type: single nucleotide variant.
Coding change: c.12958G>A on transcript NM_001035.3 (MANE Select); coding-DNA position 12958, G replaced by A.
Protein change: p.Glu4320Lys; replaces glutamic acid 4320 with lysine.
Molecular consequence: missense variant.
Genome position (GRCh38, 1-based): chr1:237,784,670, G>A. VCF-style: chr1-237784670-G-A. GRCh37 (hg19) VCF-style: chr1-237947970-G-A.
Other names: short protein forms E4320K.
Identifiers: ClinVar variation 924446 (VCV000924446.4), dbSNP rs1409819668, ClinGen allele CA066847.